The following is an entry in ClinVar:

NM_001378477.3(NYX):c.1076C>T (p.Ser359Phe)

Gene: NYX (nyctalopin; plus strand). Cytogenetic location: Xp11.4.
Variant type: single nucleotide variant.
Coding change: c.1076C>T on transcript NM_001378477.3 (MANE Select); coding-DNA position 1076, C replaced by T.
Protein change: p.Ser359Phe; replaces serine 359 with phenylalanine.
Molecular consequence: missense variant.
Genome position (GRCh38, 1-based): chrX:41,474,544, C>T. VCF-style: chrX-41474544-C-T. GRCh37 (hg19) VCF-style: chrX-41333797-C-T.
Other names: c.1076C>T, p.Ser359Phe (NM_022567.3); short protein forms S359F.
Identifiers: ClinVar variation 2136225 (VCV002136225.1), dbSNP rs761485619, ClinGen allele CA10389907.

ClinVar aggregate classification (germline): Uncertain significance (1 of 4 stars; one submission).

Allele frequency attached by ClinVar (database versions not stated): TOPMed below 0.00001; gnomAD 0.00002.

Submission:

GeneDx
Classification: Uncertain significance. Last evaluated: 2022-07-15. Review status: criteria provided, single submitter. Criteria: GeneDx Variant Classification Process June 2021. Collection method: clinical testing. Allele origin: germline. Affected: yes.
Comment: Not observed at significant frequency in large population cohorts (gnomAD); In silico analysis supports that this missense variant has a deleterious effect on protein structure/function; Has not been previously published as pathogenic or benign to our knowledge